The following is an entry in ClinVar:

NM_000059.4(BRCA2):c.4695_4698dup (p.Leu1567fs)

Gene: BRCA2 (BRCA2 DNA repair associated; plus strand). Cytogenetic location: 13q13.1.
Variant type: Duplication.
Coding change: c.4695_4698dup on transcript NM_000059.4 (MANE Select); coding-DNA positions 4695 to 4698, 4 bases duplicated (GACC; older notation c.4695_4698dupGACC).
Protein change: p.Leu1567fs; shifts the reading frame from leucine 1567.
Molecular consequence: frameshift variant.
Genome position (GRCh38, 1-based): chr13:32,339,050-32,339,053, GACC duplicated. VCF-style (leftmost placement, unchanged base first): chr13-32339049-A-AGACC. GRCh37 (hg19) VCF-style: chr13-32913186-A-AGACC.
Other names: c.4695_4698dup (NM_000059.3); c.4695_4698dupGACC (NM_000059.3); short protein forms L1567fs.
Identifiers: ClinVar variation 51697 (VCV000051697.15), dbSNP rs397507738, ClinGen allele CA020665.

ClinVar aggregate classification (germline): Pathogenic. Review status: reviewed by expert panel (3 of 4 stars). 7 submissions from 7 submitters: Pathogenic (1). 6 of the submissions do not count toward it. Last evaluated 2017-12-15.

Conditions:
Inherited breast cancer and ovarian cancer.
Hereditary cancer-predisposing syndrome. Also called: Tumor predisposition; Hereditary Cancer Syndrome; Neoplastic Syndromes, Hereditary; Hereditary neoplastic syndrome. Identifiers: Orphanet 140162, MedGen C0027672, MeSH D009386, MONDO:0015356.
Familial cancer of breast. Also called: Hereditary breast cancer; hereditary breast carcinoma; BREAST CANCER, FAMILIAL. Identifiers: Orphanet 227535, MedGen C0346153, MONDO:0016419, OMIM 114480. Disease mechanism: loss of function.
Breast-ovarian cancer, familial, susceptibility to, 2 (BROVCA2). Also called: BRCA2 Hereditary Breast and Ovarian Cancer. Identifiers: Orphanet 145, MedGen C2675520, MONDO:0012933, OMIM 612555. Disease mechanism: loss of function.
Hereditary breast ovarian cancer syndrome. Also called: Hereditary breast and ovarian cancer; Hereditary breast and ovarian cancer syndrome (HBOC); Hereditary breast and/or ovarian cancer syndrome; Hereditary breast and ovarian cancer syndrome; BRCA1- and BRCA2-Associated Hereditary Breast and Ovarian Cancer; Breast and ovarian cancer. Identifiers: Orphanet 145, MedGen C0677776, MeSH D061325, MONDO:0003582. Disease mechanism: loss of function.

Submissions (7):

Evidence-based Network for the Interpretation of Germline Mutant Alleles (ENIGMA)
Classification: Pathogenic for Breast-ovarian cancer, familial, susceptibility to, 2. Last evaluated: 2017-12-15. Review status: reviewed by expert panel. Criteria: ENIGMA BRCA1/2 Classification Criteria (2017-06-29). Collection method: curation. Allele origin: germline. Study: ENIGMA.
Comment: Variant allele predicted to encode a truncated non-functional protein.

Genetics Laboratory, Great Ormond Street Hospital NHS Foundation Trust, North Thames Genomic Laboratory Hub
Classification: Pathogenic for Inherited breast cancer and ovarian cancer. Last evaluated: 2026-04-29. Review status: criteria provided, single submitter. Criteria: CanVIG BRCA Gene Specific V1.22. Collection method: clinical testing. Allele origin: germline. Affected: yes. Not counted in ClinVar's aggregate classification.
Comment: PM2_moderate, PVS1_very-strong, PM5_strong

GeneDx
Classification: Pathogenic. Last evaluated: 2025-03-20. Review status: criteria provided, single submitter. Criteria: GeneDx Variant Classification Process June 2021. Collection method: clinical testing. Allele origin: germline. Affected: yes. Not counted in ClinVar's aggregate classification.
Comment: Observed in individuals with a personal or family history of breast and/or ovarian cancer (PMID: 17503080); Truncating variants in this gene are considered pathogenic by a well-established clinical consortium and/or database; Frameshift variant predicted to result in protein truncation or nonsense mediated decay in a gene for which loss of function is a known mechanism of disease; Not observed at significant frequency in large population cohorts (gnomAD); Also known as 4923_4926dup; This variant is associated with the following publications: (PMID: 17503080)

Ambry Genetics
Classification: Pathogenic for Hereditary cancer-predisposing syndrome. Last evaluated: 2025-02-05. Review status: criteria provided, single submitter. Criteria: Ambry Variant Classification Scheme 2023. Collection method: clinical testing. Allele origin: germline. Not counted in ClinVar's aggregate classification.
Comment: The c.4695_4698dupGACC pathogenic mutation, located in coding exon 10 of the BRCA2 gene, results from a duplication of GACC at nucleotide position 4695, causing a translational frameshift with a predicted alternate stop codon (p.L1567Dfs*9). This variant was identified amongst a cohort of 102 South Indian breast and/or ovarian cancer individuals (Syamala V et al. J Cancer Res Clin Oncol, 2007 Nov;133:867-74). This variant is considered to be rare based on population cohorts in the Genome Aggregation Database (gnomAD). This alteration is expected to result in loss of function by premature protein truncation or nonsense-mediated mRNA decay. As such, this alteration is interpreted as a disease-causing mutation.

Department of Pathology and Laboratory Medicine, Sinai Health System
Classification: Pathogenic for Familial cancer of breast; Breast-ovarian cancer, familial, susceptibility to, 2. Last evaluated: 2022-10-19. Review status: criteria provided, single submitter. Criteria: ACMG Guidelines, 2015. Collection method: clinical testing. Allele origin: germline. Affected: yes. Not counted in ClinVar's aggregate classification.

Labcorp Genetics (formerly Invitae), Labcorp
Classification: Pathogenic for Hereditary breast ovarian cancer syndrome. Last evaluated: 2022-05-18. Review status: criteria provided, single submitter. Criteria: Invitae Variant Classification Sherloc (09022015). Collection method: clinical testing. Allele origin: germline. Not counted in ClinVar's aggregate classification.
Comment: This sequence change creates a premature translational stop signal (p.Leu1567Aspfs*9) in the BRCA2 gene. It is expected to result in an absent or disrupted protein product. Loss-of-function variants in BRCA2 are known to be pathogenic (PMID: 20104584). This variant is not present in population databases (gnomAD no frequency). This premature translational stop signal has been observed in individual(s) with breast cancer (PMID: 17503080). This variant is also known as c.4926insGACC. ClinVar contains an entry for this variant (Variation ID: 51697). For these reasons, this variant has been classified as Pathogenic.

ClinVar Staff, National Center for Biotechnology Information (NCBI)
No classification provided. Condition: Familial cancer of breast. Review status: no classification provided. Collection method: literature only. Allele origin: germline. Affected: yes. Not counted in ClinVar's aggregate classification.

Literature cited by the submitters: PubMed 17503080 (cited by 3 submitters); PubMed 20104584 (cited by Labcorp Genetics (formerly Invitae), Labcorp).